The following is an entry in ClinVar:

ClinVar aggregate classification (germline): Uncertain significance (1 of 4 stars; one submission).

Conditions:
Alstrom syndrome (ALMS). Identifiers: Orphanet 64, MedGen C0268425, MONDO:0008763, OMIM 203800.

gnomAD v4.1: 1 of 1,613,692 alleles (0.000062%); highest among the groups gnomAD compares: South Asian, 0.0011%; no homozygotes.

Submission:

Labcorp Genetics (formerly Invitae), Labcorp
Classification: Uncertain significance for Alstrom syndrome. Last evaluated: 2022-06-09. Review status: criteria provided, single submitter. Criteria: Invitae Variant Classification Sherloc (09022015). Collection method: clinical testing. Allele origin: germline.
Comment: In summary, the available evidence is currently insufficient to determine the role of this variant in disease. Therefore, it has been classified as a Variant of Uncertain Significance. Experimental studies and prediction algorithms are not available or were not evaluated, and the functional significance of this variant is currently unknown. This variant has not been reported in the literature in individuals affected with ALMS1-related conditions. This variant is not present in population databases (gnomAD no frequency). This sequence change replaces glycine, which is neutral and non-polar, with alanine, which is neutral and non-polar, at codon 1575 of the ALMS1 protein (p.Gly1575Ala).

NM_001378454.1(ALMS1):c.4721G>C (p.Gly1574Ala)

Gene: ALMS1 (ALMS1 centrosome and basal body associated protein; plus strand). Cytogenetic location: 2p13.1.
Variant type: single nucleotide variant.
Coding change: c.4721G>C on transcript NM_001378454.1 (MANE Select); coding-DNA position 4721, G replaced by C.
Protein change: p.Gly1574Ala; replaces glycine 1574 with alanine.
Molecular consequence: missense variant.
Genome position (GRCh38, 1-based): chr2:73,451,248, G>C. VCF-style: chr2-73451248-G-C. GRCh37 (hg19) VCF-style: chr2-73678375-G-C.
Other names: c.4724G>C, p.Gly1575Ala (NM_015120.4); short protein forms G1574A, G1575A.
Identifiers: ClinVar variation 1910426 (VCV001910426.5), dbSNP rs2466102556, ClinGen allele CA347279123.